The following is an entry in ClinVar:

ClinVar aggregate classification (germline): Uncertain significance (1 of 4 stars; one submission).

Submission:

Labcorp Genetics (formerly Invitae), Labcorp
Classification: Uncertain significance. Last evaluated: 2017-10-01. Review status: criteria provided, single submitter. Criteria: Invitae Variant Classification Sherloc (09022015). Collection method: clinical testing. Allele origin: germline.
Comment: This sequence change falls in intron 3 of the POLE gene. It does not directly change the encoded amino acid sequence of the POLE protein, but it affects a nucleotide within the consensus splice site of the intron. This variant is not present in population databases (ExAC no frequency). This variant has not been reported in the literature in individuals with POLE-related disease. Nucleotide substitutions within the consensus splice site are a relatively common cause of aberrant splicing (PMID: 17576681, 9536098). Algorithms developed to predict the effect of sequence changes on RNA splicing suggest that this variant may disrupt the consensus splice site, but this prediction has not been confirmed by published transcriptional studies. In summary, the available evidence is currently insufficient to determine the role of this variant in disease. Therefore, it has been classified as a Variant of Uncertain Significance.

Literature cited by the submitters: PubMed 17576681; PubMed 9536098.

NM_006231.4(POLE):c.286-3C>A

Gene: POLE (DNA polymerase epsilon, catalytic subunit; minus strand). Cytogenetic location: 12q24.33.
Variant type: single nucleotide variant.
Coding change: c.286-3C>A on transcript NM_006231.4 (MANE Select); 3 bases into the intron before coding-DNA position 286, C replaced by A.
Molecular consequence: intron variant.
Genome position (GRCh38, 1-based): chr12:132,680,225, G>T on the plus strand (C>A on the coding strand, the complement: POLE is on the minus strand). VCF-style: chr12-132680225-G-T. GRCh37 (hg19) VCF-style: chr12-133256811-G-T.
Identifiers: ClinVar variation 540662 (VCV000540662.8), dbSNP rs1555230255, ClinGen allele CA658798001.